The following is an entry in ClinVar:

NM_001111125.3(IQSEC2):c.424C>T (p.Gln142Ter)

Gene: IQSEC2 (IQ motif and Sec7 domain ArfGEF 2; minus strand). Cytogenetic location: Xp11.22.
Variant type: single nucleotide variant.
Coding change: c.424C>T on transcript NM_001111125.3 (MANE Select); coding-DNA position 424, C replaced by T.
Protein change: p.Gln142Ter; replaces glutamine 142 with a stop codon.
Molecular consequence: nonsense.
Genome position (GRCh38, 1-based): chrX:53,320,700, G>A on the plus strand (C>T on the coding strand, the complement: IQSEC2 is on the minus strand). VCF-style: chrX-53320700-G-A. GRCh37 (hg19) VCF-style: chrX-53349898-G-A.
Other names: c.424C>T, p.Gln142Ter (NM_001410736.1); short protein forms Q142*.
Identifiers: ClinVar variation 2021976 (VCV002021976.4), dbSNP rs2520588778, ClinGen allele CA413239376.

ClinVar aggregate classification (germline): Pathogenic (1 of 4 stars; one submission).

Conditions:
Intellectual developmental disorder, X-linked 1. Also called: Atkin Flaitz Patil Smith syndrome; MENTAL RETARDATION, X-LINKED 18; MENTAL RETARDATION, X-LINKED 78; Intellectual disability, X-linked 1. Identifiers: Orphanet 777, MedGen C2931498, MONDO:0010656, OMIM 309530.

Submission:

Labcorp Genetics (formerly Invitae), Labcorp
Classification: Pathogenic for Intellectual developmental disorder, X-linked 1. Last evaluated: 2022-08-23. Review status: criteria provided, single submitter. Criteria: Invitae Variant Classification Sherloc (09022015). Collection method: clinical testing. Allele origin: germline.
Comment: For these reasons, this variant has been classified as Pathogenic. This variant has not been reported in the literature in individuals affected with IQSEC2-related conditions. This variant is not present in population databases (gnomAD no frequency). This sequence change creates a premature translational stop signal (p.Gln142*) in the IQSEC2 gene. It is expected to result in an absent or disrupted protein product. Loss-of-function variants in IQSEC2 are known to be pathogenic (PMID: 21686261, 26793055, 27665735).

Literature cited by the submitters: PubMed 21686261; PubMed 26793055; PubMed 27665735.